The following is an entry in ClinVar:

ClinVar aggregate classification (germline): Likely benign. Review status: criteria provided, multiple submitters, no conflicts (2 of 4 stars). 2 submissions from 2 submitters: Likely benign (2). Last evaluated 2018-06-14.

Allele frequency attached by ClinVar (database versions not stated): gnomAD 0.01608 and 0.01600; 1000 Genomes Project 0.01917; 1000 Genomes Project 30x 0.02014; TOPMed 0.02248.
gnomAD v4.1: 2,443 of 152,192 alleles (1.6%); highest among the groups gnomAD compares: Admixed American, 7.9%; 83 homozygotes.

Submissions (2):

GeneDx
Classification: Likely benign. Last evaluated: 2018-06-14. Review status: criteria provided, single submitter. Criteria: GeneDx Variant Classification (06012015). Collection method: clinical testing. Allele origin: germline. Affected: yes.
Comment: This variant is considered likely benign or benign based on one or more of the following criteria: it is a conservative change, it occurs at a poorly conserved position in the protein, it is predicted to be benign by multiple in silico algorithms, and/or has population frequency not consistent with disease.

Breakthrough Genomics
Classification: Likely benign. Review status: criteria provided, single submitter. Criteria: ACMG Guidelines, 2015. Collection method: not provided. Allele origin: germline. Inheritance: Autosomal dominant inheritance. Affected: yes.

NM_000141.5(FGFR2):c.1440-231C>T

Gene: FGFR2 (fibroblast growth factor receptor 2; minus strand). Cytogenetic location: 10q26.13.
Variant type: single nucleotide variant.
Coding change: c.1440-231C>T on transcript NM_000141.5 (MANE Select); 231 bases into the intron before coding-DNA position 1440, C replaced by T.
Molecular consequence: intron variant.
Genome position (GRCh38, 1-based): chr10:121,501,178, G>A on the plus strand (C>T on the coding strand, the complement: FGFR2 is on the minus strand). VCF-style: chr10-121501178-G-A. GRCh37 (hg19) VCF-style: chr10-123260692-G-A.
Other names: c.1104-231C>T (NM_001144914.1); c.1089-231C>T (NM_001144918.2, NM_001441091.1); c.1095-231C>T (NM_001441090.1, NM_001144916.2); c.1167-231C>T (NM_001441089.1); c.1173-231C>T (NM_023029.3, NM_001144915.2); c.1170-231C>T (NM_001441088.1); c.1092-231C>T (NM_001144917.2); c.1434-231C>T (NM_001320658.2); and 4 more.
Identifiers: ClinVar variation 673069 (VCV000673069.2), dbSNP rs3135782, ClinGen allele CA214295939.